The following is an entry in ClinVar:

ClinVar aggregate classification (germline): Conflicting classifications of pathogenicity. Review status: criteria provided, conflicting classifications (1 of 4 stars). 9 submissions from 9 submitters: Uncertain significance (6); Likely benign (1). 2 of the submissions do not count toward it. Last evaluated 2026-06-24.

Conditions:
Dilated cardiomyopathy 1KK (CMD1KK). Identifiers: Orphanet 154, Orphanet 75249, MedGen C3714995, MONDO:0014100, OMIM 615248.
MYPN-related disorder. Also called: MYPN-related condition.
Cardiovascular phenotype. Identifiers: MedGen CN230736.
MYPN-related myopathy (CMYO24). Also called: Nemaline myopathy 11, autosomal recessive. Identifiers: MedGen C4479186, MONDO:0015023, OMIM 617336.

Allele frequency attached by ClinVar (database versions not stated): ExAC 0.00001; gnomAD exomes 0.00004; gnomAD 0.00007; TOPMed 0.00008.
gnomAD v4.1: 38 of 1,614,112 alleles (0.0024%); highest among the groups gnomAD compares: African/African-American, 0.013%; no homozygotes.

Submissions (9):

PreventionGenetics, part of Exact Sciences
Classification: Uncertain significance for MYPN-related condition. Last evaluated: 2026-06-24. Review status: criteria provided, single submitter. Criteria: ACMG Guidelines, 2015. Collection method: clinical testing. Allele origin: germline.
Comment: The MYPN c.251A>G variant is predicted to result in the amino acid substitution p.Asn84Ser. This variant has been reported in an individual with unspecified cardiomyopathy and an individual with dilated cardiomyopathy; however, a causative variant in the RBM20 gene was identified in one of the individuals (Online Supplementary File 2, van Lint et al. 2019. PubMed ID: 30847666). This variant is reported in 0.020% of alleles in individuals of African descent in gnomAD. At this time, the clinical significance of this variant is uncertain due to the absence of conclusive functional and genetic evidence.

Ambry Genetics
Classification: Likely benign for Cardiovascular phenotype. Last evaluated: 2025-09-09. Review status: criteria provided, single submitter. Criteria: Ambry Variant Classification Scheme 2023. Collection method: clinical testing. Allele origin: germline.

Mayo Clinic Laboratories, Mayo Clinic
Classification: Uncertain significance. Last evaluated: 2025-01-04. Review status: criteria provided, single submitter. Criteria: ACMG Guidelines, 2015. Collection method: clinical testing. Allele origin: germline. Observed: 1 variant allele.
Comment: BP4

GeneDx
Classification: Uncertain significance. Last evaluated: 2022-08-15. Review status: criteria provided, single submitter. Criteria: GeneDx Variant Classification Process June 2021. Collection method: clinical testing. Allele origin: germline. Affected: yes.
Comment: Reported in one patient with dilated cardiomyopathy and one patient with unspecified cardiomyopathy in the literature; however, patient with dilated cardiomyopathy also had variant in RMB20 gene (van Lint et al., 2019); In silico analysis supports that this missense variant does not alter protein structure/function; This variant is associated with the following publications: (PMID: 30847666)

Labcorp Genetics (formerly Invitae), Labcorp
Classification: Uncertain significance for Dilated cardiomyopathy 1KK. Last evaluated: 2022-07-06. Review status: criteria provided, single submitter. Criteria: Invitae Variant Classification Sherloc (09022015). Collection method: clinical testing. Allele origin: germline.
Comment: This sequence change replaces asparagine, which is neutral and polar, with serine, which is neutral and polar, at codon 84 of the MYPN protein (p.Asn84Ser). This variant is present in population databases (rs768968410, gnomAD 0.02%). This missense change has been observed in individual(s) with clinical features of MYPN-related conditions (PMID: 30847666). ClinVar contains an entry for this variant (Variation ID: 522312). Algorithms developed to predict the effect of missense changes on protein structure and function output the following: SIFT: "Tolerated"; PolyPhen-2: "Benign"; Align-GVGD: "Class C0". The serine amino acid residue is found in multiple mammalian species, which suggests that this missense change does not adversely affect protein function. In summary, the available evidence is currently insufficient to determine the role of this variant in disease. Therefore, it has been classified as a Variant of Uncertain Significance.

Fulgent Genetics
Classification: Uncertain significance for Dilated cardiomyopathy 1KK; MYPN-related myopathy. Last evaluated: 2021-09-21. Review status: criteria provided, single submitter. Criteria: ACMG Guidelines, 2015. Collection method: clinical testing. Allele origin: unknown.

Clinical Genetics DNA and cytogenetics Diagnostics Lab, Erasmus MC, Erasmus Medical Center
Classification: Uncertain significance for Dilated cardiomyopathy 1KK. Last evaluated: 2015-09-21. Review status: criteria provided, single submitter. Criteria: ACGS Guidelines, 2013. Collection method: clinical testing. Allele origin: germline. Affected: yes. Study: VKGL Data-share Consensus.

Clinical Genetics, Academic Medical Center
Classification: Uncertain significance. Review status: no assertion criteria provided. Collection method: clinical testing. Allele origin: germline. Affected: yes. Study: VKGL Data-share Consensus. Not counted in ClinVar's aggregate classification.

Diagnostic Laboratory, Department of Genetics, University Medical Center Groningen
Classification: Uncertain significance. Review status: no assertion criteria provided. Collection method: clinical testing. Allele origin: germline. Affected: yes. Study: VKGL Data-share Consensus. Not counted in ClinVar's aggregate classification.

Literature cited by the submitters: PubMed 30847666 (cited by 3 submitters); PubMed 36178741 (cited by Mayo Clinic Laboratories, Mayo Clinic).

NM_032578.4(MYPN):c.251A>G (p.Asn84Ser)

Gene: MYPN (myopalladin; plus strand). Cytogenetic location: 10q21.3.
Variant type: single nucleotide variant.
Coding change: c.251A>G on transcript NM_032578.4 (MANE Select); coding-DNA position 251, A replaced by G.
Protein change: p.Asn84Ser; replaces asparagine 84 with serine.
Molecular consequence: missense variant. On other transcripts: 5 prime UTR variant (1), non-coding transcript variant (1).
Genome position (GRCh38, 1-based): chr10:68,121,689, A>G. VCF-style: chr10-68121689-A-G. GRCh37 (hg19) VCF-style: chr10-69881446-A-G.
Other names: p.Asn84Ser; c.251A>G, p.Asn84Ser (NM_001256267.2); c.-872A>G (NM_001256268.2); short protein forms N84S.
Identifiers: ClinVar variation 522312 (VCV000522312.18), dbSNP rs768968410, ClinGen allele CA5522242.